The following is an entry in ClinVar:

NM_001084.5(PLOD3):c.2074C>T (p.Arg692Cys)

Gene: PLOD3 (procollagen-lysine,2-oxoglutarate 5-dioxygenase 3; minus strand). Cytogenetic location: 7q22.1.
Variant type: single nucleotide variant.
Coding change: c.2074C>T on transcript NM_001084.5 (MANE Select); coding-DNA position 2074, C replaced by T.
Protein change: p.Arg692Cys; replaces arginine 692 with cysteine.
Molecular consequence: missense variant.
Genome position (GRCh38, 1-based): chr7:101,206,424, G>A on the plus strand (C>T on the coding strand, the complement: PLOD3 is on the minus strand). VCF-style: chr7-101206424-G-A. GRCh37 (hg19) VCF-style: chr7-100849705-G-A.
Other names: c.2074C>T (NM_001084.4); short protein forms R692C.
Identifiers: ClinVar variation 2188081 (VCV002188081.3), dbSNP rs776689472, ClinGen allele CA4407381.

ClinVar aggregate classification (germline): Uncertain significance. Review status: criteria provided, multiple submitters, no conflicts (2 of 4 stars). 2 submissions from 2 submitters: Uncertain significance (2). Last evaluated 2024-11-19.

Conditions:
Inborn genetic diseases. Identifiers: MedGen C0950123, MeSH D030342.

Allele frequency attached by ClinVar (database versions not stated): ExAC 0.00001; gnomAD 0.00002; gnomAD exomes 0.00002; TOPMed 0.00005.
gnomAD v4.1: 30 of 1,607,820 alleles (0.0019%); highest among the groups gnomAD compares: African/African-American, 0.004%; no homozygotes.

Submissions (2):

Labcorp Genetics (formerly Invitae), Labcorp
Classification: Uncertain significance. Last evaluated: 2024-11-19. Review status: criteria provided, single submitter. Criteria: Invitae Variant Classification Sherloc (09022015). Collection method: clinical testing. Allele origin: germline.
Comment: This sequence change replaces arginine, which is basic and polar, with cysteine, which is neutral and slightly polar, at codon 692 of the PLOD3 protein (p.Arg692Cys). This variant is present in population databases (rs776689472, gnomAD 0.007%). This variant has not been reported in the literature in individuals affected with PLOD3-related conditions. ClinVar contains an entry for this variant (Variation ID: 2188081). Invitae Evidence Modeling of protein sequence and biophysical properties (such as structural, functional, and spatial information, amino acid conservation, physicochemical variation, residue mobility, and thermodynamic stability) indicates that this missense variant is not expected to disrupt PLOD3 protein function with a negative predictive value of 80%. In summary, the available evidence is currently insufficient to determine the role of this variant in disease. Therefore, it has been classified as a Variant of Uncertain Significance.

Ambry Genetics
Classification: Uncertain significance for Inborn genetic diseases. Last evaluated: 2021-06-17. Review status: criteria provided, single submitter. Criteria: Ambry Variant Classification Scheme 2023. Collection method: clinical testing. Allele origin: germline.